The following is an entry in ClinVar:

NM_000245.4(MET):c.1137C>A (p.Asn379Lys)

Gene: MET (MET proto-oncogene, receptor tyrosine kinase; plus strand). Cytogenetic location: 7q31.2.
Variant type: single nucleotide variant.
Coding change: c.1137C>A on transcript NM_000245.4 (MANE Select); coding-DNA position 1137, C replaced by A.
Protein change: p.Asn379Lys; replaces asparagine 379 with lysine.
Molecular consequence: missense variant. On other transcripts: intron variant (1).
Genome position (GRCh38, 1-based): chr7:116,700,221, C>A. VCF-style: chr7-116700221-C-A. GRCh37 (hg19) VCF-style: chr7-116340275-C-A.
Other names: c.1137C>A, p.Asn379Lys (NM_001127500.3, NM_001324401.3); c.-91+27644C>A (NM_001324402.2); short protein forms N379K.
Identifiers: ClinVar variation 3294342 (VCV003294342.4).

ClinVar aggregate classification (germline): Conflicting classifications of pathogenicity. Review status: criteria provided, conflicting classifications (1 of 4 stars). 2 submissions from 2 submitters: Uncertain significance (1); Likely benign (1). Last evaluated 2026-04-16.

Conditions:
Renal cell carcinoma. Identifiers: Orphanet 217071, MedGen C0007134, MeSH D002292, MONDO:0005086, HP:0005584.
Hereditary cancer-predisposing syndrome. Also called: Neoplastic Syndromes, Hereditary; Tumor predisposition; Hereditary Cancer Syndrome; Hereditary neoplastic syndrome. Identifiers: Orphanet 140162, MedGen C0027672, MeSH D009386, MONDO:0015356.

Submissions (2):

Ambry Genetics
Classification: Likely benign for Hereditary cancer-predisposing syndrome. Last evaluated: 2026-04-16. Review status: criteria provided, single submitter. Criteria: Ambry Variant Classification Scheme 2023. Collection method: clinical testing. Allele origin: germline.

Labcorp Genetics (formerly Invitae), Labcorp
Classification: Uncertain significance for Renal cell carcinoma. Last evaluated: 2025-03-31. Review status: criteria provided, single submitter. Criteria: Invitae Variant Classification Sherloc (09022015). Collection method: clinical testing. Allele origin: germline.
Comment: This sequence change replaces asparagine, which is neutral and polar, with lysine, which is basic and polar, at codon 379 of the MET protein (p.Asn379Lys). This variant is not present in population databases (gnomAD no frequency). This variant has not been reported in the literature in individuals affected with MET-related conditions. ClinVar contains an entry for this variant (Variation ID: 3294342). Invitae Evidence Modeling of protein sequence and biophysical properties (such as structural, functional, and spatial information, amino acid conservation, physicochemical variation, residue mobility, and thermodynamic stability) indicates that this missense variant is not expected to disrupt MET protein function with a negative predictive value of 80%. In summary, the available evidence is currently insufficient to determine the role of this variant in disease. Therefore, it has been classified as a Variant of Uncertain Significance.